The following is an entry in ClinVar:

NM_152564.5(VPS13B):c.6117C>A (p.Asn2039Lys)

Gene: VPS13B (vacuolar protein sorting 13 homolog B; plus strand). Cytogenetic location: 8q22.2.
Variant type: single nucleotide variant.
Coding change: c.6117C>A on transcript NM_152564.5 (MANE Select); coding-DNA position 6117, C replaced by A.
Protein change: p.Asn2039Lys; replaces asparagine 2039 with lysine.
Molecular consequence: missense variant.
Genome position (GRCh38, 1-based): chr8:99,699,595, C>A. VCF-style: chr8-99699595-C-A. GRCh37 (hg19) VCF-style: chr8-100711823-C-A.
Other names: c.6192C>A, p.Asn2064Lys (NM_017890.5); short protein forms N2064K, N2039K.
Identifiers: ClinVar variation 1374993 (VCV001374993.3), dbSNP rs2130179604, ClinGen allele CA371874155.

ClinVar aggregate classification (germline): Uncertain significance (1 of 4 stars; one submission).

Conditions:
Cohen syndrome (COH1). Also called: PEPPER SYNDROME; Cutis verticis gyrata, retinitis pigmentosa, and sensorineural deafness. Identifiers: Orphanet 193, MedGen C0265223, MONDO:0008999, OMIM 216550.

Submission:

Labcorp Genetics (formerly Invitae), Labcorp
Classification: Uncertain significance for Cohen syndrome. Last evaluated: 2021-08-14. Review status: criteria provided, single submitter. Criteria: Invitae Variant Classification Sherloc (09022015). Collection method: clinical testing. Allele origin: germline.
Comment: This sequence change replaces asparagine with lysine at codon 2064 of the VPS13B protein (p.Asn2064Lys). The asparagine residue is weakly conserved and there is a moderate physicochemical difference between asparagine and lysine. This variant is not present in population databases (ExAC no frequency). This variant has not been reported in the literature in individuals affected with VPS13B-related conditions. Algorithms developed to predict the effect of missense changes on protein structure and function output the following: SIFT: "Not Available"; PolyPhen-2: "Possibly Damaging"; Align-GVGD: "Not Available". The lysine amino acid residue is found in multiple mammalian species, which suggests that this missense change does not adversely affect protein function. In summary, the available evidence is currently insufficient to determine the role of this variant in disease. Therefore, it has been classified as a Variant of Uncertain Significance.